The following is an entry in ClinVar:

ClinVar aggregate classification (germline): Uncertain significance (1 of 4 stars; one submission).

Allele frequency attached by ClinVar (database versions not stated): gnomAD 0.00001; gnomAD exomes 0.00002; ExAC 0.00004.
gnomAD v4.1: 11 of 1,598,510 alleles (0.00069%); highest among the groups gnomAD compares: Admixed American, 0.0017%; no homozygotes.

Submission:

Labcorp Genetics (formerly Invitae), Labcorp
Classification: Uncertain significance. Last evaluated: 2025-02-03. Review status: criteria provided, single submitter. Criteria: Invitae Variant Classification Sherloc (09022015). Collection method: clinical testing. Allele origin: germline.
Comment: This sequence change replaces arginine, which is basic and polar, with glutamine, which is neutral and polar, at codon 1191 of the COL18A1 protein (p.Arg1191Gln). The frequency data for this variant in the population databases is considered unreliable, as metrics indicate poor data quality at this position in the gnomAD database. This variant has not been reported in the literature in individuals affected with COL18A1-related conditions. ClinVar contains an entry for this variant (Variation ID: 1406530). Experimental studies and prediction algorithms are not available or were not evaluated, and the functional significance of this variant is currently unknown. In summary, the available evidence is currently insufficient to determine the role of this variant in disease. Therefore, it has been classified as a Variant of Uncertain Significance.

NM_001379500.1(COL18A1):c.3581G>A (p.Arg1194Gln)

Genes: COL18A1 (collagen type XVIII alpha 1 chain; plus strand), SLC19A1 (solute carrier family 19 member 1; minus strand). Cytogenetic location: 21q22.3.
Variant type: single nucleotide variant.
Coding change: c.3581G>A on transcript NM_001379500.1 (MANE Select); coding-DNA position 3581, G replaced by A.
Protein change: p.Arg1194Gln; replaces arginine 1194 with glutamine.
Molecular consequence: missense variant.
Genome position (GRCh38, 1-based): chr21:45,510,149, G>A. VCF-style: chr21-45510149-G-A. GRCh37 (hg19) VCF-style: chr21-46930063-G-A.
Other names: c.4112G>A, p.Arg1371Gln (NM_030582.4); c.4817G>A, p.Arg1606Gln (NM_130444.3); short protein forms R1194Q, R1371Q, R1606Q.
Identifiers: ClinVar variation 1406530 (VCV001406530.5), dbSNP rs756649129, ClinGen allele CA10067963.